The following is an entry in ClinVar:

ClinVar aggregate classification (germline): Likely benign. Review status: criteria provided, single submitter (1 of 4 stars). 2 submissions from 2 submitters: Likely benign (1). 1 of the submissions does not count toward it. Last evaluated 2024-10-21.

Conditions:
CRY1-related disorder. Also called: CRY1-related condition.

Allele frequency attached by ClinVar (database versions not stated): gnomAD exomes 0.00004; ExAC 0.00007; TOPMed 0.00008; gnomAD 0.00012.

Submissions (2):

Blueprint Genetics
Classification: Likely benign. Last evaluated: 2024-10-21. Review status: criteria provided, single submitter. Criteria: ACMG Guidelines, 2015. Collection method: clinical testing. Allele origin: germline.

PreventionGenetics, part of Exact Sciences
Classification: Likely benign for CRY1-related condition. Last evaluated: 2020-12-11. Review status: no assertion criteria provided. Collection method: clinical testing. Allele origin: germline. Not counted in ClinVar's aggregate classification.
Comment: This variant is classified as likely benign based on ACMG/AMP sequence variant interpretation guidelines (Richards et al. 2015 PMID: 25741868, with internal and published modifications).

NM_004075.5(CRY1):c.6G>A (p.Gly2=)

Gene: CRY1 (cryptochrome circadian regulator 1; minus strand). Cytogenetic location: 12q23.3.
Variant type: single nucleotide variant.
Coding change: c.6G>A on transcript NM_004075.5 (MANE Select); coding-DNA position 6, G replaced by A.
Protein change: p.Gly2=; no amino-acid change (glycine 2 retained).
Molecular consequence: synonymous variant. On other transcripts: 5 prime UTR variant (7), non-coding transcript variant (2).
Genome position (GRCh38, 1-based): chr12:107,092,956, C>T on the plus strand (G>A on the coding strand, the complement: CRY1 is on the minus strand). VCF-style: chr12-107092956-C-T. GRCh37 (hg19) VCF-style: chr12-107486734-C-T.
Other names: c.6G>A, p.Gly2= (NM_001413458.1, NM_001413459.1, NM_001413460.1 and 3 more transcripts); c.-199G>A (NM_001413464.1, NM_001413465.1); c.-239G>A (NM_001413466.1); c.-437G>A (NM_001413467.1, NM_001413470.1); c.-452G>A (NM_001413468.1); c.-734G>A (NM_001413469.1).
Identifiers: ClinVar variation 3035404 (VCV003035404.3), dbSNP rs781745308, ClinGen allele CA6764432.